The following is an entry in ClinVar:

ClinVar aggregate classification (germline): Uncertain significance. Review status: criteria provided, multiple submitters, no conflicts (2 of 4 stars). 2 submissions from 2 submitters: Uncertain significance (2). Last evaluated 2025-12-18.

Allele frequency attached by ClinVar (database versions not stated): TOPMed 0.00002; ExAC 0.00002.
gnomAD v4.1: 18 of 1,614,262 alleles (0.0011%); highest among the groups gnomAD compares: Admixed American, 0.012%; no homozygotes.

Submissions (2):

Labcorp Genetics (formerly Invitae), Labcorp
Classification: Uncertain significance. Last evaluated: 2025-12-18. Review status: criteria provided, single submitter. Criteria: Invitae Variant Classification Sherloc (09022015). Collection method: clinical testing. Allele origin: germline.
Comment: This sequence change replaces threonine, which is neutral and polar, with methionine, which is neutral and non-polar, at codon 1357 of the FAT2 protein (p.Thr1357Met). This variant is present in population databases (rs748439382, gnomAD 0.03%). This variant has not been reported in the literature in individuals affected with FAT2-related conditions. ClinVar contains an entry for this variant (Variation ID: 2401285). An algorithm developed to predict the effect of missense changes on protein structure and function (PolyPhen-2) suggests that this variant is likely to be disruptive. In summary, the available evidence is currently insufficient to determine the role of this variant in disease. Therefore, it has been classified as a Variant of Uncertain Significance.

Ambry Genetics
Classification: Uncertain significance. Last evaluated: 2021-10-05. Review status: criteria provided, single submitter. Criteria: Ambry Variant Classification Scheme 2023. Collection method: clinical testing. Allele origin: germline.

NM_001447.3(FAT2):c.4070C>T (p.Thr1357Met)

Genes: FAT2 (FAT atypical cadherin 2; minus strand), SLC36A1 (solute carrier family 36 member 1; plus strand). Cytogenetic location: 5q33.1.
Variant type: single nucleotide variant.
Coding change: c.4070C>T on transcript NM_001447.3 (MANE Select); coding-DNA position 4070, C replaced by T.
Protein change: p.Thr1357Met; replaces threonine 1357 with methionine.
Molecular consequence: missense variant.
Genome position (GRCh38, 1-based): chr5:151,553,263, G>A on the plus strand (C>T on the coding strand, the complement: FAT2 is on the minus strand). VCF-style: chr5-151553263-G-A. GRCh37 (hg19) VCF-style: chr5-150932824-G-A.
Other names: short protein forms T1357M.
Identifiers: ClinVar variation 2401285 (VCV002401285.4), dbSNP rs748439382, ClinGen allele CA3521654.